The following is an entry in ClinVar:

NM_006197.4(PCM1):c.5072A>G (p.Gln1691Arg)

Gene: PCM1 (pericentriolar material 1; plus strand). Cytogenetic location: 8p22.
Variant type: single nucleotide variant.
Coding change: c.5072A>G on transcript NM_006197.4 (MANE Select); coding-DNA position 5072, A replaced by G.
Protein change: p.Gln1691Arg; replaces glutamine 1691 with arginine.
Molecular consequence: missense variant. On other transcripts: non-coding transcript variant (1).
Genome position (GRCh38, 1-based): chr8:18,009,656, A>G. VCF-style: chr8-18009656-A-G. GRCh37 (hg19) VCF-style: chr8-17867165-A-G.
Other names: c.5048A>G, p.Gln1683Arg (NM_001315507.2); c.4910A>G, p.Gln1637Arg (NM_001315508.2, NM_001352640.2); c.5201A>G, p.Gln1734Arg (NM_001352632.2); c.5186A>G, p.Gln1729Arg (NM_001352633.2); c.5084A>G, p.Gln1695Arg (NM_001352634.2); c.5051A>G, p.Gln1684Arg (NM_001352635.2); c.5027A>G, p.Gln1676Arg (NM_001352636.2); c.5024A>G, p.Gln1675Arg (NM_001352637.2); and 8 more; short protein forms Q1628R, Q1629R, Q1636R, Q1667R, Q1684R, Q1632R, Q1730R, Q1637R.
Identifiers: ClinVar variation 4996295 (VCV004996295.1).

ClinVar aggregate classification (germline): Uncertain significance (1 of 4 stars; one submission).

Conditions:
PCM1-related disorder. Also called: PCM1-related condition.

Submission:

PreventionGenetics, part of Exact Sciences
Classification: Uncertain significance for PCM1-related condition. Last evaluated: 2026-02-24. Review status: criteria provided, single submitter. Criteria: ACMG Guidelines, 2015. Collection method: clinical testing. Allele origin: germline.
Comment: The PCM1 c.5201A>G variant is predicted to result in the amino acid substitution p.Gln1734Arg. To our knowledge, this variant has not been reported in the literature or in a large population database (gnomAD), indicating this variant is rare. At this time, the clinical significance of this variant is uncertain due to the absence of conclusive functional and genetic evidence.